The following is an entry in ClinVar:

ClinVar aggregate classification (germline): Conflicting classifications of pathogenicity. Review status: criteria provided, conflicting classifications (1 of 4 stars). 4 submissions from 4 submitters: Uncertain significance (1); Likely benign (3). Last evaluated 2026-03-02.

Conditions:
STAMBP-related disorder. Also called: STAMBP-related condition.
Inborn genetic diseases. Identifiers: MedGen C0950123, MeSH D030342.

Allele frequency attached by ClinVar (database versions not stated): gnomAD exomes 0.00017; ExAC 0.00021; gnomAD 0.00036; ESP Exome Variant Server 0.00046; TOPMed 0.00051; 1000 Genomes Project 0.00100; 1000 Genomes Project 30x 0.00109.
gnomAD v4.1: 195 of 1,614,022 alleles (0.012%); highest among the groups gnomAD compares: African/African-American, 0.1%; 1 homozygote.

Submissions (4):

PreventionGenetics, part of Exact Sciences
Classification: Likely benign for STAMBP-related condition. Last evaluated: 2026-03-02. Review status: criteria provided, single submitter. Criteria: ACMG Guidelines, 2015. Collection method: clinical testing. Allele origin: germline.
Comment: This variant is classified as likely benign based on ACMG/AMP sequence variant interpretation guidelines (Richards et al. 2015 PMID: 25741868, with internal and published modifications).

Labcorp Genetics (formerly Invitae), Labcorp
Classification: Likely benign. Last evaluated: 2026-01-08. Review status: criteria provided, single submitter. Criteria: Invitae Variant Classification Sherloc (09022015). Collection method: clinical testing. Allele origin: germline.

Ambry Genetics
Classification: Uncertain significance for Inborn genetic diseases. Last evaluated: 2025-08-04. Review status: criteria provided, single submitter. Criteria: Ambry Variant Classification Scheme 2023. Collection method: clinical testing. Allele origin: germline.

GeneDx
Classification: Likely benign. Last evaluated: 2021-09-20. Review status: criteria provided, single submitter. Criteria: GeneDx Variant Classification Process June 2021. Collection method: clinical testing. Allele origin: germline. Affected: yes.

NM_213622.4(STAMBP):c.785G>A (p.Arg262Gln)

Gene: STAMBP (STAM binding protein; plus strand). Cytogenetic location: 2p13.1.
Variant type: single nucleotide variant.
Coding change: c.785G>A on transcript NM_213622.4 (MANE Select); coding-DNA position 785, G replaced by A.
Protein change: p.Arg262Gln; replaces arginine 262 with glutamine.
Molecular consequence: missense variant. On other transcripts: non-coding transcript variant (4).
Genome position (GRCh38, 1-based): chr2:73,849,405, G>A. VCF-style: chr2-73849405-G-A. GRCh37 (hg19) VCF-style: chr2-74076532-G-A.
Other names: c.785G>A, p.Arg262Gln (NM_001353967.2, NM_001353968.2, NM_001353969.2 and 3 more transcripts); c.380G>A, p.Arg127Gln (NM_001353971.2, NM_001353972.2, NM_001353973.2 and 3 more transcripts); c.785G>A (NM_213622.2); short protein forms R127Q, R262Q.
Identifiers: ClinVar variation 791857 (VCV000791857.11), dbSNP rs141557634, ClinGen allele CA1717621.